The following is an entry in ClinVar:

NM_012309.5(SHANK2):c.5529G>C (p.Leu1843Phe)

Gene: SHANK2 (SH3 and multiple ankyrin repeat domains 2; minus strand). Cytogenetic location: 11q13.3.
Variant type: single nucleotide variant.
Coding change: c.5529G>C on transcript NM_012309.5 (MANE Select); coding-DNA position 5529, G replaced by C.
Protein change: p.Leu1843Phe; replaces leucine 1843 with phenylalanine.
Molecular consequence: missense variant. On other transcripts: non-coding transcript variant (1).
Genome position (GRCh38, 1-based): chr11:70,472,890, C>G on the plus strand (G>C on the coding strand, the complement: SHANK2 is on the minus strand). VCF-style: chr11-70472890-C-G. GRCh37 (hg19) VCF-style: chr11-70318995-C-G.
Other names: c.4392G>C, p.Leu1464Phe (NM_001379226.1); c.3765G>C, p.Leu1255Phe (NM_133266.5); short protein forms L1255F, L1464F, L1843F.
Identifiers: ClinVar variation 3345015 (VCV003345015.1).

ClinVar aggregate classification (germline): Uncertain significance (0 of 4 stars; one submission).

Conditions:
SHANK2-related disorder.

Submission:

PreventionGenetics, part of Exact Sciences
Classification: Uncertain significance for SHANK2-related condition. Last evaluated: 2024-05-28. Review status: no assertion criteria provided. Collection method: clinical testing. Allele origin: germline.
Comment: The SHANK2 c.5529G>C variant is predicted to result in the amino acid substitution p.Leu1843Phe. To our knowledge, this variant has not been reported in the literature or in a large population database, indicating this variant is rare. At this time, the clinical significance of this variant is uncertain due to the absence of conclusive functional and genetic evidence.